The following is an entry in ClinVar:

NM_152703.5(SAMD9L):c.1795A>C (p.Lys599Gln)

Gene: SAMD9L (sterile alpha motif domain containing 9 like; minus strand). Cytogenetic location: 7q21.2.
Variant type: single nucleotide variant.
Coding change: c.1795A>C on transcript NM_152703.5 (MANE Select); coding-DNA position 1795, A replaced by C.
Protein change: p.Lys599Gln; replaces lysine 599 with glutamine.
Molecular consequence: missense variant.
Genome position (GRCh38, 1-based): chr7:93,134,177, T>G on the plus strand (A>C on the coding strand, the complement: SAMD9L is on the minus strand). VCF-style: chr7-93134177-T-G. GRCh37 (hg19) VCF-style: chr7-92763490-T-G.
Other names: c.1795A>C, p.Lys599Gln (NM_001303496.3, NM_001303497.3, NM_001303498.3 and 5 more transcripts); short protein forms K599Q.
Identifiers: ClinVar variation 3949782 (VCV003949782.1).

ClinVar aggregate classification (germline): Uncertain significance (1 of 4 stars; one submission).

Conditions:
Inborn genetic diseases. Identifiers: MedGen C0950123, MeSH D030342.

Submission:

Ambry Genetics
Classification: Uncertain significance for Inborn genetic diseases. Last evaluated: 2025-03-28. Review status: criteria provided, single submitter. Criteria: Ambry Variant Classification Scheme 2023. Collection method: clinical testing. Allele origin: germline.
Comment: The p.K599Q variant (also known as c.1795A>C), located in coding exon 1 of the SAMD9L gene, results from an A to C substitution at nucleotide position 1795. The lysine at codon 599 is replaced by glutamine, an amino acid with similar properties. This amino acid position is conserved. In addition, this alteration is predicted to be tolerated by in silico analysis. Based on the available evidence, the clinical significance of this variant remains unclear.